The following is an entry in ClinVar:

NM_001379029.1(CERT1):c.1734A>G (p.Thr578=)

Gene: CERT1 (ceramide transporter 1; minus strand). Cytogenetic location: 5q13.3.
Variant type: single nucleotide variant.
Coding change: c.1734A>G on transcript NM_001379029.1 (MANE Select); coding-DNA position 1734, A replaced by G.
Protein change: p.Thr578=; no amino-acid change (threonine 578 retained).
Molecular consequence: synonymous variant.
Genome position (GRCh38, 1-based): chr5:75,381,085, T>C on the plus strand (A>G on the coding strand, the complement: CERT1 is on the minus strand). VCF-style: chr5-75381085-T-C. GRCh37 (hg19) VCF-style: chr5-74676910-T-C.
Other names: c.2118A>G, p.Thr706= (NM_001130105.1); c.1734A>G, p.Thr578= (NM_001379002.1, NM_005713.3); c.1656A>G, p.Thr552= (NM_001379003.1, NM_001379004.1, NM_031361.3).
Identifiers: ClinVar variation 3341943 (VCV003341943.16).

ClinVar aggregate classification (germline): Likely benign (1 of 4 stars; one submission).

gnomAD v4.1: 14 of 1,614,014 alleles (0.00087%); highest among the groups gnomAD compares: Admixed American, 0.012%; no homozygotes.

Submission:

CeGaT Center for Human Genetics Tuebingen
Classification: Likely benign. Last evaluated: 2024-08-01. Review status: criteria provided, single submitter. Criteria: CeGaT Center For Human Genetics Tuebingen Variant Classification Criteria Version 2. Collection method: clinical testing. Allele origin: germline. Affected: yes. Observed: 2 variant alleles.
Comment: CERT1: BP4